The following is an entry in ClinVar:

ClinVar aggregate classification (germline): Uncertain significance. Review status: criteria provided, multiple submitters, no conflicts (2 of 4 stars). 2 submissions from 2 submitters: Uncertain significance (2). Last evaluated 2025-06-10.

Conditions:
Inborn genetic diseases. Identifiers: MedGen C0950123, MeSH D030342.

gnomAD v4.1: 1 of 1,614,200 alleles (0.000062%); highest among the groups gnomAD compares: South Asian, 0.0011%; no homozygotes.

Submissions (2):

Ambry Genetics
Classification: Uncertain significance for Inborn genetic diseases. Last evaluated: 2025-06-10. Review status: criteria provided, single submitter. Criteria: Ambry Variant Classification Scheme 2023. Collection method: clinical testing. Allele origin: germline.

Labcorp Genetics (formerly Invitae), Labcorp
Classification: Uncertain significance. Last evaluated: 2024-09-30. Review status: criteria provided, single submitter. Criteria: Invitae Variant Classification Sherloc (09022015). Collection method: clinical testing. Allele origin: germline.
Comment: This sequence change replaces cysteine, which is neutral and slightly polar, with tyrosine, which is neutral and polar, at codon 336 of the DIP2C protein (p.Cys336Tyr). This variant is not present in population databases (gnomAD no frequency). This variant has not been reported in the literature in individuals affected with DIP2C-related conditions. An algorithm developed to predict the effect of missense changes on protein structure and function (PolyPhen-2) suggests that this variant is likely to be tolerated. In summary, the available evidence is currently insufficient to determine the role of this variant in disease. Therefore, it has been classified as a Variant of Uncertain Significance.

NM_014974.3(DIP2C):c.1007G>A (p.Cys336Tyr)

Gene: DIP2C (DIP2 acetate--CoA ligase C (putative); minus strand). Cytogenetic location: 10p15.3.
Variant type: single nucleotide variant.
Coding change: c.1007G>A on transcript NM_014974.3 (MANE Select); coding-DNA position 1007, G replaced by A.
Protein change: p.Cys336Tyr; replaces cysteine 336 with tyrosine.
Molecular consequence: missense variant.
Genome position (GRCh38, 1-based): chr10:413,963, C>T on the plus strand (G>A on the coding strand, the complement: DIP2C is on the minus strand). VCF-style: chr10-413963-C-T. GRCh37 (hg19) VCF-style: chr10-459903-C-T.
Other names: c.1007G>A (NM_014974.2); short protein forms C336Y.
Identifiers: ClinVar variation 3721953 (VCV003721953.3).
Genomic context (GRCh38, chr10:413,963, plus strand): 5'-TGGGGATTACCGTAAGTGAGGATGTAGAGGGGCTTCCCGTTGGTGTCCATGGTGGTCAGG[C>T]AGGGCGCCTTGGGCGAGATGGTGCCCCACCTCTGCAGTGCGGCCTCCAGCGACGGCGGCC-3'
Protein context (NP_055789.1, residues 326-346): RWGTISPKAP[Cys336Tyr]LTTMDTNGKP